The following is an entry in ClinVar:

NM_002242.4(KCNJ13):c.596_597dup (p.Thr200Ter)

Genes: GIGYF2 (GRB10 interacting GYF protein 2; plus strand), KCNJ13 (potassium inwardly rectifying channel subfamily J member 13; minus strand). Cytogenetic location: 2q37.1.
Variant type: Duplication.
Coding change: c.596_597dup on transcript NM_002242.4 (MANE Select); coding-DNA positions 596 to 597, 2 bases duplicated (TA; older notation c.596_597dupTA).
Protein change: p.Thr200Ter; replaces threonine 200 with a stop codon.
Molecular consequence: nonsense. On other transcripts: 3 prime UTR variant (1), intron variant (4).
Genome position (GRCh38, 1-based): chr2:232,768,677-232,768,678, TA duplicated on the plus strand (TA on the coding strand, the reverse complement: KCNJ13 is on the minus strand). VCF-style (leftmost placement, unchanged base first): chr2-232768676-T-TTA. GRCh37 (hg19) VCF-style: chr2-233633386-T-TTA.
Other names: c.*75_*76dup (NM_001172416.1); c.356_357dup, p.Thr120Ter (NM_001172417.1); c.532+7241_532+7242dup (NM_001103146.3, NM_015575.4, NM_001103147.2 and 1 more transcripts); short protein forms T120*, T200*.
Identifiers: ClinVar variation 2006128 (VCV002006128.4), dbSNP rs2469803391, ClinGen allele CA2580066073.
Genomic context (GRCh38, chr2:232,768,676, plus strand): 5'-TCTGGTAGAGTTTGCCATTTTCTCTTTCCTGATAGAGTACAGCTGAGACCCGGACACTGG[T>TTA]TAGAGGGCTAGGTCGGGTGTTGGCCACTTGGAAGATAAGATTAGGTTTGCCATCCATGTG-3'

ClinVar aggregate classification (germline): Uncertain significance (1 of 4 stars; one submission).

Submission:

Labcorp Genetics (formerly Invitae), Labcorp
Classification: Uncertain significance. Last evaluated: 2022-06-14. Review status: criteria provided, single submitter. Criteria: Invitae Variant Classification Sherloc (09022015). Collection method: clinical testing. Allele origin: germline.
Comment: This variant has not been reported in the literature in individuals affected with KCNJ13-related conditions. In summary, the available evidence is currently insufficient to determine the role of this variant in disease. Therefore, it has been classified as a Variant of Uncertain Significance. This variant is not present in population databases (gnomAD no frequency). This sequence change creates a premature translational stop signal (p.Thr200*) in the KCNJ13 gene. While this is not anticipated to result in nonsense mediated decay, it is expected to disrupt the last 161 amino acid(s) of the KCNJ13 protein.